The following is an entry in ClinVar:

ClinVar aggregate classification (germline): Uncertain significance (0 of 4 stars; one submission).

Conditions:
SDK2-related disorder. Also called: SDK2-related condition.

Submission:

PreventionGenetics, part of Exact Sciences
Classification: Uncertain significance for SDK2-related condition. Last evaluated: 2024-01-03. Review status: no assertion criteria provided. Collection method: clinical testing. Allele origin: germline.
Comment: The SDK2 c.4130C>G variant is predicted to result in the amino acid substitution p.Ala1377Gly. To our knowledge, this variant has not been reported in the literature or in a large population database, indicating this variant is rare. At this time, the clinical significance of this variant is uncertain due to the absence of conclusive functional and genetic evidence.

NM_001144952.2(SDK2):c.4130C>G (p.Ala1377Gly)

Gene: SDK2 (sidekick cell adhesion molecule 2; minus strand). Cytogenetic location: 17q25.1.
Variant type: single nucleotide variant.
Coding change: c.4130C>G on transcript NM_001144952.2 (MANE Select); coding-DNA position 4130, C replaced by G.
Protein change: p.Ala1377Gly; replaces alanine 1377 with glycine.
Molecular consequence: missense variant.
Genome position (GRCh38, 1-based): chr17:73,390,349, G>C on the plus strand (C>G on the coding strand, the complement: SDK2 is on the minus strand). VCF-style: chr17-73390349-G-C. GRCh37 (hg19) VCF-style: chr17-71386488-G-C.
Other names: short protein forms A1377G.
Identifiers: ClinVar variation 3032373 (VCV003032373.2), dbSNP rs2511331279, ClinGen allele CA400877874.